The following is an entry in ClinVar:

NM_198578.4(LRRK2):c.3396G>T (p.Lys1132Asn)

Gene: LRRK2 (leucine rich repeat kinase 2; plus strand). Cytogenetic location: 12q12.
Variant type: single nucleotide variant.
Coding change: c.3396G>T on transcript NM_198578.4 (MANE Select); coding-DNA position 3396, G replaced by T.
Protein change: p.Lys1132Asn; replaces lysine 1132 with asparagine.
Molecular consequence: missense variant.
Genome position (GRCh38, 1-based): chr12:40,299,157, G>T. VCF-style: chr12-40299157-G-T. GRCh37 (hg19) VCF-style: chr12-40692959-G-T.
Other names: short protein forms K1132N.
Identifiers: ClinVar variation 1730946 (VCV001730946.3), dbSNP rs1418765716, ClinGen allele CA384415611.
Genomic context (GRCh38, chr12:40,299,157, plus strand): 5'-TCTTGTGACTAGAAATAAAATATCAGGGATATGCTCCCCCTTGAGACTGAAGGAACTGAA[G>T]ATTTTAAACCTTAGTAAGAACCACATTTCATCCCTATCAGAGAACTTTCTTGAGGCTTGT-3'
Protein context (NP_940980.4, residues 1122-1142): ICSPLRLKEL[Lys1132Asn]ILNLSKNHIS

ClinVar aggregate classification (germline): Uncertain significance (1 of 4 stars; one submission).

Conditions:
Inborn genetic diseases. Identifiers: MedGen C0950123, MeSH D030342.

Allele frequency attached by ClinVar (database versions not stated): gnomAD exomes below 0.00001; gnomAD 0.00001.
gnomAD v4.1: 2 of 1,613,276 alleles (0.00012%); highest among the groups gnomAD compares: African/African-American, 0.0013%; no homozygotes.

Submission:

Ambry Genetics
Classification: Uncertain significance for Inborn genetic diseases. Last evaluated: 2024-08-09. Review status: criteria provided, single submitter. Criteria: Ambry Variant Classification Scheme 2023. Collection method: clinical testing. Allele origin: germline.
Comment: The p.K1132N variant (also known as c.3396G>T), located in coding exon 25 of the LRRK2 gene, results from a G to T substitution at nucleotide position 3396. The lysine at codon 1132 is replaced by asparagine, an amino acid with similar properties. This amino acid position is conserved. In addition, this alteration is predicted to be tolerated by in silico analysis. Since supporting evidence is limited at this time, the clinical significance of this alteration remains unclear.